The following is an entry in ClinVar:

NM_138477.4(CDAN1):c.1262C>G (p.Ser421Cys)

Gene: CDAN1 (codanin 1; minus strand). Cytogenetic location: 15q15.2.
Variant type: single nucleotide variant.
Coding change: c.1262C>G on transcript NM_138477.4 (MANE Select); coding-DNA position 1262, C replaced by G.
Protein change: p.Ser421Cys; replaces serine 421 with cysteine.
Molecular consequence: missense variant.
Genome position (GRCh38, 1-based): chr15:42,734,043, G>C on the plus strand (C>G on the coding strand, the complement: CDAN1 is on the minus strand). VCF-style: chr15-42734043-G-C. GRCh37 (hg19) VCF-style: chr15-43026241-G-C.
Other names: short protein forms S421C.
Identifiers: ClinVar variation 2505684 (VCV002505684.3), dbSNP rs557155897, ClinGen allele CA7516113.

ClinVar aggregate classification (germline): Uncertain significance. Review status: criteria provided, multiple submitters, no conflicts (2 of 4 stars). 2 submissions from 2 submitters: Uncertain significance (2). Last evaluated 2023-07-11.

Conditions:
Inborn genetic diseases. Identifiers: MedGen C0950123, MeSH D030342.

Allele frequency attached by ClinVar (database versions not stated): gnomAD exomes 0.00007; 1000 Genomes Project 30x 0.00016; ExAC 0.00016; 1000 Genomes Project 0.00020.
gnomAD v4.1: 102 of 1,613,200 alleles (0.0063%); highest among the groups gnomAD compares: South Asian, 0.11%; no homozygotes.

Submissions (2):

Ambry Genetics
Classification: Uncertain significance for Inborn genetic diseases. Last evaluated: 2023-07-11. Review status: criteria provided, single submitter. Criteria: Ambry Variant Classification Scheme 2023. Collection method: clinical testing. Allele origin: germline.

GeneDx
Classification: Uncertain significance. Last evaluated: 2022-12-14. Review status: criteria provided, single submitter. Criteria: GeneDx Variant Classification Process June 2021. Collection method: clinical testing. Allele origin: germline. Affected: yes.
Comment: In silico analysis supports that this missense variant has a deleterious effect on protein structure/function; Has not been previously published as pathogenic or benign to our knowledge